The following is an entry in ClinVar:

ClinVar aggregate classification (germline): Uncertain significance. Review status: criteria provided, multiple submitters, no conflicts (2 of 4 stars). 2 submissions from 2 submitters: Uncertain significance (2). Last evaluated 2026-04-21.

Conditions:
PEX26-related disorder. Also called: PEX26-related condition.
Peroxisome biogenesis disorder 7A (Zellweger). Also called: Peroxisome biogenesis disorder 7A. Identifiers: Orphanet 912, MedGen C3888385, MONDO:0013938, OMIM 614872.
Peroxisome biogenesis disorder 7B (PBD7B). Identifiers: Orphanet 44, MedGen C3553951, MONDO:0013939, OMIM 614873.

gnomAD v4.1: 2 of 1,613,542 alleles (0.00012%); highest among the groups gnomAD compares: Admixed American, 0.0017%; no homozygotes.

Submissions (2):

PreventionGenetics, part of Exact Sciences
Classification: Uncertain significance for PEX26-related condition. Last evaluated: 2026-04-21. Review status: criteria provided, single submitter. Criteria: ACMG Guidelines, 2015. Collection method: clinical testing. Allele origin: germline.
Comment: The PEX26 c.877G>T variant is predicted to result in the amino acid substitution p.Ala293Ser. To our knowledge, this variant has not been reported in the literature. This variant is reported in 0.0062% of alleles in individuals of African descent in gnomAD. At this time, the clinical significance of this variant is uncertain due to the absence of conclusive functional and genetic evidence.

Labcorp Genetics (formerly Invitae), Labcorp
Classification: Uncertain significance for Peroxisome biogenesis disorder 7A (Zellweger); Peroxisome biogenesis disorder 7B. Last evaluated: 2025-08-06. Review status: criteria provided, single submitter. Criteria: Invitae Variant Classification Sherloc (09022015). Collection method: clinical testing. Allele origin: germline.
Comment: This sequence change replaces alanine, which is neutral and non-polar, with serine, which is neutral and polar, at codon 293 of the PEX26 protein (p.Ala293Ser). The frequency data for this variant in the population databases is considered unreliable, as metrics indicate poor data quality at this position in the gnomAD database. This variant has not been reported in the literature in individuals affected with PEX26-related conditions. Invitae Evidence Modeling of protein sequence and biophysical properties (such as structural, functional, and spatial information, amino acid conservation, physicochemical variation, residue mobility, and thermodynamic stability) indicates that this missense variant is not expected to disrupt PEX26 protein function with a negative predictive value of 95%. In summary, the available evidence is currently insufficient to determine the role of this variant in disease. Therefore, it has been classified as a Variant of Uncertain Significance.

NM_001127649.3(PEX26):c.877G>T (p.Ala293Ser)

Gene: PEX26 (peroxisomal biogenesis factor 26; plus strand). Cytogenetic location: 22q11.21.
Variant type: single nucleotide variant.
Coding change: c.877G>T on transcript NM_001127649.3 (MANE Select); coding-DNA position 877, G replaced by T.
Protein change: p.Ala293Ser; replaces alanine 293 with serine.
Molecular consequence: missense variant.
Genome position (GRCh38, 1-based): chr22:18,088,034, G>T. VCF-style: chr22-18088034-G-T. GRCh37 (hg19) VCF-style: chr22-18570800-G-T.
Other names: c.730G>T, p.Ala244Ser (NM_001199319.2); c.877G>T, p.Ala293Ser (NM_017929.6); c.877G>T (NM_017929.5); short protein forms A293S, A244S.
Identifiers: ClinVar variation 4788817 (VCV004788817.2).
Genomic context (GRCh38, chr22:18,088,034, plus strand): 5'-TCCCCTTCCTCCCTGCACTTCCTCTACAAGCTGGCCCAGCTCTTCCGCTGGATCCGGAAG[G>T]CTGCATTTTCTCGCCTCTACCAGCTCCGCATCCGTGACTGAGGGTCCCTGCGCACCACAG-3'
Protein context (NP_001121121.1, residues 283-303): LAQLFRWIRK[Ala293Ser]AFSRLYQLRI